The following is an entry in ClinVar:

ClinVar aggregate classification (germline): Uncertain significance (1 of 4 stars; one submission).

Allele frequency attached by ClinVar (database versions not stated): gnomAD exomes below 0.00001; TOPMed below 0.00001; ExAC 0.00001; gnomAD 0.00001.
gnomAD v4.1: 5 of 1,614,056 alleles (0.00031%); highest among the groups gnomAD compares: South Asian, 0.0011%; no homozygotes.

Submission:

Labcorp Genetics (formerly Invitae), Labcorp
Classification: Uncertain significance. Last evaluated: 2024-12-02. Review status: criteria provided, single submitter. Criteria: Invitae Variant Classification Sherloc (09022015). Collection method: clinical testing. Allele origin: germline.
Comment: This sequence change replaces alanine, which is neutral and non-polar, with threonine, which is neutral and polar, at codon 1575 of the NBAS protein (p.Ala1575Thr). This variant is present in population databases (rs774113325, gnomAD 0.003%). This variant has not been reported in the literature in individuals affected with NBAS-related conditions. ClinVar contains an entry for this variant (Variation ID: 2194878). Invitae Evidence Modeling of protein sequence and biophysical properties (such as structural, functional, and spatial information, amino acid conservation, physicochemical variation, residue mobility, and thermodynamic stability) indicates that this missense variant is not expected to disrupt NBAS protein function with a negative predictive value of 95%. In summary, the available evidence is currently insufficient to determine the role of this variant in disease. Therefore, it has been classified as a Variant of Uncertain Significance.

NM_015909.4(NBAS):c.4723G>A (p.Ala1575Thr)

Gene: NBAS (NBAS subunit of NRZ tethering complex; minus strand). Cytogenetic location: 2p24.3.
Variant type: single nucleotide variant.
Coding change: c.4723G>A on transcript NM_015909.4 (MANE Select); coding-DNA position 4723, G replaced by A.
Protein change: p.Ala1575Thr; replaces alanine 1575 with threonine.
Molecular consequence: missense variant. On other transcripts: non-coding transcript variant (1).
Genome position (GRCh38, 1-based): chr2:15,308,290, C>T on the plus strand (G>A on the coding strand, the complement: NBAS is on the minus strand). VCF-style: chr2-15308290-C-T. GRCh37 (hg19) VCF-style: chr2-15448414-C-T.
Other names: short protein forms A1575T.
Identifiers: ClinVar variation 2194878 (VCV002194878.4), dbSNP rs774113325, ClinGen allele CA1535533.